The following is an entry in ClinVar:

ClinVar aggregate classification (germline): Uncertain significance. Review status: criteria provided, multiple submitters, no conflicts (2 of 4 stars). 2 submissions from 2 submitters: Uncertain significance (2). Last evaluated 2024-06-18.

Conditions:
Inborn genetic diseases. Identifiers: MedGen C0950123, MeSH D030342.

Allele frequency attached by ClinVar (database versions not stated): gnomAD exomes below 0.00001.
gnomAD v4.1: 2 of 1,612,746 alleles (0.00012%); highest among the groups gnomAD compares: Admixed American, 0.0017%; no homozygotes.

Submissions (2):

Ambry Genetics
Classification: Uncertain significance for Inborn genetic diseases. Last evaluated: 2024-06-18. Review status: criteria provided, single submitter. Criteria: Ambry Variant Classification Scheme 2023. Collection method: clinical testing. Allele origin: germline.

Labcorp Genetics (formerly Invitae), Labcorp
Classification: Uncertain significance. Last evaluated: 2022-07-06. Review status: criteria provided, single submitter. Criteria: Invitae Variant Classification Sherloc (09022015). Collection method: clinical testing. Allele origin: germline.
Comment: This sequence change replaces glycine, which is neutral and non-polar, with arginine, which is basic and polar, at codon 2607 of the FRAS1 protein (p.Gly2607Arg). The frequency data for this variant in the population databases is considered unreliable, as metrics indicate poor data quality at this position in the gnomAD database. This variant has not been reported in the literature in individuals affected with FRAS1-related conditions. Algorithms developed to predict the effect of missense changes on protein structure and function are either unavailable or do not agree on the potential impact of this missense change (SIFT: "Deleterious"; PolyPhen-2: "Probably Damaging"; Align-GVGD: "Class C0"). In summary, the available evidence is currently insufficient to determine the role of this variant in disease. Therefore, it has been classified as a Variant of Uncertain Significance.

NM_025074.7(FRAS1):c.7819G>A (p.Gly2607Arg)

Gene: FRAS1 (Fraser extracellular matrix complex subunit 1; plus strand). Cytogenetic location: 4q21.21.
Variant type: single nucleotide variant.
Coding change: c.7819G>A on transcript NM_025074.7 (MANE Select); coding-DNA position 7819, G replaced by A.
Protein change: p.Gly2607Arg; replaces glycine 2607 with arginine.
Molecular consequence: missense variant.
Genome position (GRCh38, 1-based): chr4:78,475,574, G>A. VCF-style: chr4-78475574-G-A. GRCh37 (hg19) VCF-style: chr4-79396728-G-A.
Other names: c.7819G>A (NM_025074.6); short protein forms G2607R.
Identifiers: ClinVar variation 1940566 (VCV001940566.3), dbSNP rs1412856848, ClinGen allele CA357371170.